The following is an entry in ClinVar:

ClinVar aggregate classification (germline): Uncertain significance (1 of 4 stars; one submission).

Submission:

Labcorp Genetics (formerly Invitae), Labcorp
Classification: Uncertain significance. Last evaluated: 2022-04-11. Review status: criteria provided, single submitter. Criteria: Invitae Variant Classification Sherloc (09022015). Collection method: clinical testing. Allele origin: germline.
Comment: In summary, the available evidence is currently insufficient to determine the role of this variant in disease. Therefore, it has been classified as a Variant of Uncertain Significance. This variant has not been reported in the literature in individuals affected with CDH2-related conditions. This variant results in a copy number gain of the genomic region encompassing exon(s) 16 of the CDH2 gene. This region includes the termination codon of the gene. This copy number gain extends beyond the assayed region for this gene and therefore may encompass additional genes. As the precise location of this event is unknown, it may be in tandem or it may be located elsewhere in the genome.

NC_000018.9:g.(?_25532117)_(25532343_?)dup

Gene: CDH2 (cadherin 2; minus strand). Cytogenetic location: 18q12.1.
Variant type: Duplication.
Identifiers: ClinVar variation 2424238 (VCV002424238.4).